The following is an entry in ClinVar:

NM_007294.4(BRCA1):c.2512A>G (p.Asn838Asp)

Gene: BRCA1 (BRCA1 DNA repair associated; minus strand). Cytogenetic location: 17q21.31.
Variant type: single nucleotide variant.
Coding change: c.2512A>G on transcript NM_007294.4 (MANE Select); coding-DNA position 2512, A replaced by G.
Protein change: p.Asn838Asp; replaces asparagine 838 with aspartic acid.
Molecular consequence: missense variant. On other transcripts: intron variant (137).
Genome position (GRCh38, 1-based): chr17:43,093,019, T>C on the plus strand (A>G on the coding strand, the complement: BRCA1 is on the minus strand). VCF-style: chr17-43093019-T-C. GRCh37 (hg19) VCF-style: chr17-41245036-T-C.
Other names: c.2299A>G, p.Asn767Asp (NM_001407571.1, NM_001407853.1, NM_001407894.1 and 9 more transcripts); c.2512A>G, p.Asn838Asp (NM_001407581.1, NM_001407582.1, NM_001407583.1 and 30 more transcripts); c.2509A>G, p.Asn837Asp (NM_001407587.1, NM_001407590.1, NM_001407591.1 and 22 more transcripts); c.2503A>G, p.Asn835Asp (NM_001407646.1, NM_001407647.1); c.2389A>G, p.Asn797Asp (NM_001407648.1, NM_001407664.1, NM_001407665.1 and 19 more transcripts); c.2386A>G, p.Asn796Asp (NM_001407649.1, NM_001407670.1, NM_001407671.1 and 11 more transcripts); c.2434A>G, p.Asn812Asp (NM_001407653.1, NM_001407654.1, NM_001407655.1 and 4 more transcripts); c.2431A>G, p.Asn811Asp (NM_001407659.1, NM_001407660.1, NM_001407661.1 and 1 more transcripts); and 41 more; short protein forms N838D, N791D, N670D, N771D, N710D, N749D, N750D, N767D.
Identifiers: ClinVar variation 1431803 (VCV001431803.9), dbSNP rs2154373420, ClinGen allele CA10596972.

ClinVar aggregate classification (germline): Conflicting classifications of pathogenicity. Review status: criteria provided, conflicting classifications (1 of 4 stars). 2 submissions from 2 submitters: Uncertain significance (1); Likely benign (1). Last evaluated 2023-03-23.

Conditions:
Hereditary cancer-predisposing syndrome. Also called: Hereditary Cancer Syndrome; Hereditary neoplastic syndrome; Neoplastic Syndromes, Hereditary; Tumor predisposition. Identifiers: Orphanet 140162, MedGen C0027672, MeSH D009386, MONDO:0015356.
Hereditary breast ovarian cancer syndrome. Also called: Hereditary breast and ovarian cancer syndrome (HBOC); Breast and ovarian cancer; BRCA1- and BRCA2-Associated Hereditary Breast and Ovarian Cancer; Hereditary breast and/or ovarian cancer syndrome; Hereditary breast and ovarian cancer; Hereditary breast and ovarian cancer syndrome. Identifiers: Orphanet 145, MedGen C0677776, MeSH D061325, MONDO:0003582. Disease mechanism: loss of function.

Submissions (2):

University of Washington Department of Laboratory Medicine, University of Washington
Classification: Likely benign for Hereditary cancer-predisposing syndrome. Last evaluated: 2023-03-23. Review status: criteria provided, single submitter. Criteria: Dines et al. (Genet Med. 2020). Collection method: curation. Allele origin: germline.
Comment: Missense variant in a coldspot region where missense variants are very unlikely to be pathogenic (PMID:31911673).

BRCA1 coldspot (exon 11 using historical exon numbering). Reclassification based on statistical prior probability

Labcorp Genetics (formerly Invitae), Labcorp
Classification: Uncertain significance for Hereditary breast ovarian cancer syndrome. Last evaluated: 2021-10-13. Review status: criteria provided, single submitter. Criteria: Invitae Variant Classification Sherloc (09022015). Collection method: clinical testing. Allele origin: germline.
Comment: In summary, the available evidence is currently insufficient to determine the role of this variant in disease. Therefore, it has been classified as a Variant of Uncertain Significance. Advanced modeling of protein sequence and biophysical properties (such as structural, functional, and spatial information, amino acid conservation, physicochemical variation, residue mobility, and thermodynamic stability) performed at Invitae indicates that this missense variant is not expected to disrupt BRCA1 protein function. This variant has not been reported in the literature in individuals affected with BRCA1-related conditions. This variant is not present in population databases (ExAC no frequency). This sequence change replaces asparagine with aspartic acid at codon 838 of the BRCA1 protein (p.Asn838Asp). The asparagine residue is moderately conserved and there is a small physicochemical difference between asparagine and aspartic acid.